The following is an entry in ClinVar:

ClinVar aggregate classification (germline): Uncertain significance (1 of 4 stars; one submission).

Conditions:
Developmental and epileptic encephalopathy, 21 (DEE21). Also called: Early infantile epileptic encephalopathy 21. Identifiers: Orphanet 442835, MedGen C4014430, MONDO:0014360, OMIM 615833.

Allele frequency attached by ClinVar (database versions not stated): gnomAD 0.00001; gnomAD exomes 0.00001; ExAC 0.00002; TOPMed 0.00003; 1000 Genomes Project 30x 0.00016; 1000 Genomes Project 0.00020.

Submission:

Labcorp Genetics (formerly Invitae), Labcorp
Classification: Uncertain significance for Developmental and epileptic encephalopathy, 21. Last evaluated: 2022-07-26. Review status: criteria provided, single submitter. Criteria: Invitae Variant Classification Sherloc (09022015). Collection method: clinical testing. Allele origin: germline.
Comment: In summary, the available evidence is currently insufficient to determine the role of this variant in disease. Therefore, it has been classified as a Variant of Uncertain Significance. Algorithms developed to predict the effect of missense changes on protein structure and function (SIFT, PolyPhen-2, Align-GVGD) all suggest that this variant is likely to be tolerated. ClinVar contains an entry for this variant (Variation ID: 1420733). This variant has not been reported in the literature in individuals affected with NECAP1-related conditions. This variant is present in population databases (rs763248083, gnomAD 0.007%). This sequence change replaces threonine, which is neutral and polar, with methionine, which is neutral and non-polar, at codon 238 of the NECAP1 protein (p.Thr238Met).

NM_015509.4(NECAP1):c.713C>T (p.Thr238Met)

Gene: NECAP1 (NECAP endocytosis associated 1; plus strand). Cytogenetic location: 12p13.31.
Variant type: single nucleotide variant.
Coding change: c.713C>T on transcript NM_015509.4 (MANE Select); coding-DNA position 713, C replaced by T.
Protein change: p.Thr238Met; replaces threonine 238 with methionine.
Molecular consequence: missense variant. On other transcripts: non-coding transcript variant (1).
Genome position (GRCh38, 1-based): chr12:8,095,637, C>T. VCF-style: chr12-8095637-C-T. GRCh37 (hg19) VCF-style: chr12-8248233-C-T.
Other names: short protein forms T238M.
Identifiers: ClinVar variation 1420733 (VCV001420733.6), dbSNP rs763248083, ClinGen allele CA6432345.
Genomic context (GRCh38, chr12:8,095,637, plus strand): 5'-TTTCTTTTCTTACCTTGTGTTTAGATATCCTTTTAGATTTGGATTCTCCTGCTCCTGTCA[C>T]GACACCAGCACCAACTCCAGTTTCTGTAAGCAATGACTTGTGGGGAGACTTCAGCACTGC-3'
Protein context (NP_056324.2, residues 228-248): LLDLDSPAPV[Thr238Met]TPAPTPVSVS